The following is an entry in ClinVar:

ClinVar aggregate classification (germline): Conflicting classifications of pathogenicity. Review status: criteria provided, conflicting classifications (1 of 4 stars). 2 submissions from 2 submitters: Likely pathogenic (1); Uncertain significance (1). Last evaluated 2024-02-08.

Conditions:
Leukodystrophy, hypomyelinating, 6. Also called: TUBB4A-Associated Leukodystrophy; Hypomyelination with Atrophy of Basal Ganglia and Cerebellum (H-ABC); LEUKODYSTROPHY, HYPOMYELINATING, WITH ATROPHY OF THE BASAL GANGLIA AND CEREBELLUM. Identifiers: Orphanet 139441, MedGen C2676244, MONDO:0012905, OMIM 612438.

Submissions (2):

Labcorp Genetics (formerly Invitae), Labcorp
Classification: Uncertain significance for Leukodystrophy, hypomyelinating, 6. Last evaluated: 2024-02-08. Review status: criteria provided, single submitter. Criteria: Invitae Variant Classification Sherloc (09022015). Collection method: clinical testing. Allele origin: germline.
Comment: This sequence change replaces valine, which is neutral and non-polar, with alanine, which is neutral and non-polar, at codon 180 of the TUBB4A protein (p.Val180Ala). This variant is not present in population databases (gnomAD no frequency). This missense change has been observed in individual(s) with clinical features of TUBB4A-related conditions (Invitae). ClinVar contains an entry for this variant (Variation ID: 1675717). Advanced modeling of protein sequence and biophysical properties (such as structural, functional, and spatial information, amino acid conservation, physicochemical variation, residue mobility, and thermodynamic stability) performed at Invitae indicates that this missense variant is expected to disrupt TUBB4A protein function with a positive predictive value of 80%. This variant disrupts the p.Val180 amino acid residue in TUBB4A. Other variant(s) that disrupt this residue have been determined to be pathogenic (PMID: 27159321). This suggests that this residue is clinically significant, and that variants that disrupt this residue are likely to be disease-causing. In summary, the available evidence is currently insufficient to determine the role of this variant in disease. Therefore, it has been classified as a Variant of Uncertain Significance.

CeGaT Center for Human Genetics Tuebingen
Classification: Likely pathogenic. Last evaluated: 2022-02-01. Review status: criteria provided, single submitter. Criteria: CeGaT Center For Human Genetics Tuebingen Variant Classification Criteria Version 2. Collection method: clinical testing. Allele origin: germline. Affected: yes. Observed: 1 variant allele.

Literature cited by the submitters: PubMed 27159321 (cited by Labcorp Genetics (formerly Invitae), Labcorp).

NM_006087.4(TUBB4A):c.539T>C (p.Val180Ala)

Gene: TUBB4A (tubulin beta 4A class IVa; minus strand). Cytogenetic location: 19p13.3.
Variant type: single nucleotide variant.
Coding change: c.539T>C on transcript NM_006087.4 (MANE Select); coding-DNA position 539, T replaced by C.
Protein change: p.Val180Ala; replaces valine 180 with alanine.
Molecular consequence: missense variant.
Genome position (GRCh38, 1-based): chr19:6,495,960, A>G on the plus strand (T>C on the coding strand, the complement: TUBB4A is on the minus strand). VCF-style: chr19-6495960-A-G. GRCh37 (hg19) VCF-style: chr19-6495971-A-G.
Other names: c.692T>C, p.Val231Ala (NM_001289123.2); c.674T>C, p.Val225Ala (NM_001289127.2); c.539T>C, p.Val180Ala (NM_001289129.2); c.323T>C, p.Val108Ala (NM_001289130.2, NM_001289131.2); short protein forms V108A, V180A, V225A, V231A.
Identifiers: ClinVar variation 1675717 (VCV001675717.35), dbSNP rs2145245505, ClinGen allele CA403592062.